The following is an entry in ClinVar:

ClinVar aggregate classification (germline): Uncertain significance. Review status: criteria provided, multiple submitters, no conflicts (2 of 4 stars). 2 submissions from 2 submitters: Uncertain significance (2). Last evaluated 2024-04-23.

gnomAD v4.1: 29 of 1,614,000 alleles (0.0018%); highest among the groups gnomAD compares: African/African-American, 0.0027%; no homozygotes.

Submissions (2):

Ambry Genetics
Classification: Uncertain significance. Last evaluated: 2024-04-23. Review status: criteria provided, single submitter. Criteria: Ambry Variant Classification Scheme 2023. Collection method: clinical testing. Allele origin: germline.

Labcorp Genetics (formerly Invitae), Labcorp
Classification: Uncertain significance. Last evaluated: 2024-04-18. Review status: criteria provided, single submitter. Criteria: Invitae Variant Classification Sherloc (09022015). Collection method: clinical testing. Allele origin: germline.
Comment: This sequence change replaces arginine, which is basic and polar, with cysteine, which is neutral and slightly polar, at codon 456 of the STEAP3 protein (p.Arg456Cys). This variant is present in population databases (rs373263111, gnomAD 0.005%). This variant has not been reported in the literature in individuals affected with STEAP3-related conditions. Algorithms developed to predict the effect of missense changes on protein structure and function output the following: SIFT: "Not Available"; PolyPhen-2: "Benign"; Align-GVGD: "Not Available". The cysteine amino acid residue is found in multiple mammalian species, which suggests that this missense change does not adversely affect protein function. In summary, the available evidence is currently insufficient to determine the role of this variant in disease. Therefore, it has been classified as a Variant of Uncertain Significance.

NM_182915.3(STEAP3):c.1396C>T (p.Arg466Cys)

Gene: STEAP3 (STEAP3 metalloreductase; plus strand). Cytogenetic location: 2q14.2.
Variant type: single nucleotide variant.
Coding change: c.1396C>T on transcript NM_182915.3 (MANE Select); coding-DNA position 1396, C replaced by T.
Protein change: p.Arg466Cys; replaces arginine 466 with cysteine.
Molecular consequence: missense variant. On other transcripts: 3 prime UTR variant (1).
Genome position (GRCh38, 1-based): chr2:119,263,237, C>T. VCF-style: chr2-119263237-C-T. GRCh37 (hg19) VCF-style: chr2-120020813-C-T.
Other names: c.1366C>T, p.Arg456Cys (NM_001008410.2, NM_018234.3); c.*224C>T (NM_138637.3); short protein forms R456C, R466C.
Identifiers: ClinVar variation 3323220 (VCV003323220.3).
Genomic context (GRCh38, chr2:119,263,237, plus strand): 5'-CTGCTGGTGCCCTGCGTCGTCATCCTGGCCAAAGCCCTGTTTCTCCTGCCCTGCATCAGC[C>T]GCAGACTCGCCAGGATCCGGAGAGGCTGGGAGAGGGAGAGCACCATCAAGTTCACGCTGC-3'
Protein context (NP_878919.2, residues 456-476): KALFLLPCIS[Arg466Cys]RLARIRRGWE